The following is an entry in ClinVar:

ClinVar aggregate classification (germline): Benign (0 of 4 stars; one submission).

Conditions:
NFXL1-related disorder. Also called: NFXL1-related condition.

Allele frequency attached by ClinVar (database versions not stated): 1000 Genomes Project 0.71665; 1000 Genomes Project 30x 0.71736; TOPMed 0.72319; ESP Exome Variant Server 0.72659; gnomAD exomes 0.75216.
gnomAD v4.1: 1,209,401 of 1,612,424 alleles (75%); highest among the groups gnomAD compares: South Asian, 76%; 455,054 homozygotes.

Submission:

PreventionGenetics, part of Exact Sciences
Classification: Benign for NFXL1-related condition. Last evaluated: 2019-10-17. Review status: no assertion criteria provided. Collection method: clinical testing. Allele origin: germline.
Comment: This variant is classified as benign based on ACMG/AMP sequence variant interpretation guidelines (Richards et al. 2015 PMID: 25741868, with internal and published modifications).

NM_001278624.2(NFXL1):c.1569C>T (p.Thr523=)

Genes: NFXL1 (nuclear transcription factor, X-box binding like 1; minus strand), LOC101927179 (uncharacterized LOC101927179; plus strand). Cytogenetic location: 4p12.
Variant type: single nucleotide variant.
Coding change: c.1569C>T on transcript NM_001278624.2 (MANE Select); coding-DNA position 1569, C replaced by T.
Protein change: p.Thr523=; no amino-acid change (threonine 523 retained).
Molecular consequence: synonymous variant. On other transcripts: non-coding transcript variant (1).
Genome position (GRCh38, 1-based): chr4:47,885,974, G>A on the plus strand (C>T on the coding strand, the complement: NFXL1 is on the minus strand). VCF-style: chr4-47885974-G-A. GRCh37 (hg19) VCF-style: chr4-47887991-G-A.
Other names: c.1569C>T, p.Thr523= (NM_001278623.1, NM_152995.6).
Identifiers: ClinVar variation 3060049 (VCV003060049.2), dbSNP rs6818556, ClinGen allele CA2910544.